The following is an entry in ClinVar:

NM_032802.4(SPPL2A):c.853A>G (p.Met285Val)

Gene: SPPL2A (signal peptide peptidase like 2A; minus strand). Cytogenetic location: 15q21.2.
Variant type: single nucleotide variant.
Coding change: c.853A>G on transcript NM_032802.4 (MANE Select); coding-DNA position 853, A replaced by G.
Protein change: p.Met285Val; replaces methionine 285 with valine.
Molecular consequence: missense variant.
Genome position (GRCh38, 1-based): chr15:50,736,180, T>C on the plus strand (A>G on the coding strand, the complement: SPPL2A is on the minus strand). VCF-style: chr15-50736180-T-C. GRCh37 (hg19) VCF-style: chr15-51028377-T-C.
Other names: c.853A>G (NM_032802.3); short protein forms M285V.
Identifiers: ClinVar variation 2993711 (VCV002993711.4), dbSNP rs767086303, ClinGen allele CA7558385.
Genomic context (GRCh38, chr15:50,736,180, plus strand): 5'-CAGCCCAAACAACAGCTACTGCTATGCACAGTCCAGAGAGAAAAATAAGTCTCACTTCCA[T>C]GTTTTTGCCACGACATGCAATCCTAAAAAACAGATTAAAATAGTTAACACTGCAGATGAA-3'
Protein context (NP_116191.2, residues 275-295): QCTIACRGKN[Met285Val]EVRLIFLSGL

ClinVar aggregate classification (germline): Uncertain significance. Review status: criteria provided, multiple submitters, no conflicts (2 of 4 stars). 2 submissions from 2 submitters: Uncertain significance (2). Last evaluated 2025-08-21.

Allele frequency attached by ClinVar (database versions not stated): ExAC 0.00001; gnomAD 0.00002; TOPMed 0.00002.
gnomAD v4.1: 15 of 1,611,988 alleles (0.00093%); highest among the groups gnomAD compares: Admixed American, 0.025%; no homozygotes.

Submissions (2):

Labcorp Genetics (formerly Invitae), Labcorp
Classification: Uncertain significance. Last evaluated: 2025-08-21. Review status: criteria provided, single submitter. Criteria: Invitae Variant Classification Sherloc (09022015). Collection method: clinical testing. Allele origin: germline.
Comment: This sequence change replaces methionine, which is neutral and non-polar, with valine, which is neutral and non-polar, at codon 285 of the SPPL2A protein (p.Met285Val). This variant is present in population databases (rs767086303, gnomAD 0.01%). This variant has not been reported in the literature in individuals affected with SPPL2A-related conditions. ClinVar contains an entry for this variant (Variation ID: 2993711). An algorithm developed to predict the effect of missense changes on protein structure and function outputs the following: PolyPhen-2: "Benign". The valine amino acid residue is found in multiple mammalian species, which suggests that this missense change does not adversely affect protein function. In summary, the available evidence is currently insufficient to determine the role of this variant in disease. Therefore, it has been classified as a Variant of Uncertain Significance.

Ambry Genetics
Classification: Uncertain significance. Last evaluated: 2025-04-02. Review status: criteria provided, single submitter. Criteria: Ambry Variant Classification Scheme 2023. Collection method: clinical testing. Allele origin: germline.